The following is an entry in ClinVar:

ClinVar aggregate classification (germline): Likely benign (1 of 4 stars; one submission).

gnomAD v4.1: 21 of 1,549,558 alleles (0.0014%); highest among the groups gnomAD compares: Admixed American, 0.0059%; no homozygotes.

Submission:

CeGaT Center for Human Genetics Tuebingen
Classification: Likely benign. Last evaluated: 2025-09-01. Review status: criteria provided, single submitter. Criteria: CeGaT Center For Human Genetics Tuebingen Variant Classification Criteria Version 2. Collection method: clinical testing. Allele origin: germline. Affected: yes. Observed: 1 variant allele.
Comment: CHD3: BP4, BS2

NM_001005273.3(CHD3):c.5439G>A (p.Ala1813=)

Gene: CHD3 (chromodomain helicase DNA binding protein 3; plus strand). Cytogenetic location: 17p13.1.
Variant type: single nucleotide variant.
Coding change: c.5439G>A on transcript NM_001005273.3 (MANE Select); coding-DNA position 5439, G replaced by A.
Protein change: p.Ala1813=; no amino-acid change (alanine 1813 retained).
Molecular consequence: synonymous variant.
Genome position (GRCh38, 1-based): chr17:7,909,187, G>A. VCF-style: chr17-7909187-G-A. GRCh37 (hg19) VCF-style: chr17-7812505-G-A.
Other names: c.5616G>A, p.Ala1872= (NM_001005271.3, NM_001437504.1); c.5604G>A, p.Ala1868= (NM_001437507.1); c.5502G>A, p.Ala1834= (NM_001437508.1); c.5607G>A, p.Ala1869= (NM_001437509.1); c.5337G>A, p.Ala1779= (NM_005852.4).
Identifiers: ClinVar variation 4281080 (VCV004281080.7).